The following is an entry in ClinVar:

NM_001039348.3(EFEMP1):c.1437C>A (p.Ser479Arg)

Gene: EFEMP1 (EGF-like fibulin extracellular matrix protein 1; minus strand). Cytogenetic location: 2p16.1.
Variant type: single nucleotide variant.
Coding change: c.1437C>A on transcript NM_001039348.3 (MANE Select); coding-DNA position 1437, C replaced by A.
Protein change: p.Ser479Arg; replaces serine 479 with arginine.
Molecular consequence: missense variant.
Genome position (GRCh38, 1-based): chr2:55,867,118, G>T on the plus strand (C>A on the coding strand, the complement: EFEMP1 is on the minus strand). VCF-style: chr2-55867118-G-T. GRCh37 (hg19) VCF-style: chr2-56094253-G-T.
Other names: c.1437C>A, p.Ser479Arg (NM_001039349.3); short protein forms S479R.
Identifiers: ClinVar variation 1378806 (VCV001378806.7), dbSNP rs2104360214, ClinGen allele CA347027367.

ClinVar aggregate classification (germline): Uncertain significance. Review status: criteria provided, multiple submitters, no conflicts (2 of 4 stars). 2 submissions from 2 submitters: Uncertain significance (2). Last evaluated 2023-02-24.

Allele frequency attached by ClinVar (database versions not stated): gnomAD exomes below 0.00001.
gnomAD v4.1: 6 of 1,613,618 alleles (0.00037%); highest among the groups gnomAD compares: South Asian, 0.0066%; no homozygotes.

Submissions (2):

Blueprint Genetics
Classification: Uncertain significance. Last evaluated: 2023-02-24. Review status: criteria provided, single submitter. Criteria: ACMG Guidelines, 2015. Collection method: clinical testing. Allele origin: germline.

Labcorp Genetics (formerly Invitae), Labcorp
Classification: Uncertain significance. Last evaluated: 2022-07-25. Review status: criteria provided, single submitter. Criteria: Invitae Variant Classification Sherloc (09022015). Collection method: clinical testing. Allele origin: germline.
Comment: In summary, the available evidence is currently insufficient to determine the role of this variant in disease. Therefore, it has been classified as a Variant of Uncertain Significance. Algorithms developed to predict the effect of missense changes on protein structure and function are either unavailable or do not agree on the potential impact of this missense change (SIFT: "Deleterious"; PolyPhen-2: "Probably Damaging"; Align-GVGD: "Class C0"). ClinVar contains an entry for this variant (Variation ID: 1378806). This variant has not been reported in the literature in individuals affected with EFEMP1-related conditions. This variant is not present in population databases (gnomAD no frequency). This sequence change replaces serine, which is neutral and polar, with arginine, which is basic and polar, at codon 479 of the EFEMP1 protein (p.Ser479Arg).